The following is an entry in ClinVar:

ClinVar aggregate classification (germline): Uncertain significance. Review status: criteria provided, multiple submitters, no conflicts (2 of 4 stars). 3 submissions from 3 submitters: Uncertain significance (3). Last evaluated 2025-10-15.

Conditions:
Inborn genetic diseases. Identifiers: MedGen C0950123, MeSH D030342.
Combined oxidative phosphorylation defect type 17. Also called: Combined oxidative phosphorylation deficiency 17. Identifiers: Orphanet 369913, MedGen C3809526, MONDO:0014190, OMIM 615440.

Allele frequency attached by ClinVar (database versions not stated): ExAC 0.00002; gnomAD 0.00003 and 0.00002; gnomAD exomes 0.00004 and 0.00002; TOPMed 0.00005; ESP Exome Variant Server 0.00008.
gnomAD v4.1: 28 of 1,614,108 alleles (0.0017%); highest among the groups gnomAD compares: Admixed American, 0.018%; no homozygotes.

Submissions (3):

Ambry Genetics
Classification: Uncertain significance for Inborn genetic diseases. Last evaluated: 2025-10-15. Review status: criteria provided, single submitter. Criteria: Ambry Variant Classification Scheme 2023. Collection method: clinical testing. Allele origin: germline.

Labcorp Genetics (formerly Invitae), Labcorp
Classification: Uncertain significance for Combined oxidative phosphorylation defect type 17. Last evaluated: 2023-12-06. Review status: criteria provided, single submitter. Criteria: Invitae Variant Classification Sherloc (09022015). Collection method: clinical testing. Allele origin: germline.
Comment: This sequence change replaces valine, which is neutral and non-polar, with methionine, which is neutral and non-polar, at codon 348 of the ELAC2 protein (p.Val348Met). This variant is present in population databases (rs370476174, gnomAD 0.02%). This variant has not been reported in the literature in individuals affected with ELAC2-related conditions. ClinVar contains an entry for this variant (Variation ID: 1329544). Advanced modeling of protein sequence and biophysical properties (such as structural, functional, and spatial information, amino acid conservation, physicochemical variation, residue mobility, and thermodynamic stability) performed at Invitae indicates that this missense variant is expected to disrupt ELAC2 protein function with a positive predictive value of 80%. In summary, the available evidence is currently insufficient to determine the role of this variant in disease. Therefore, it has been classified as a Variant of Uncertain Significance.

GeneDx
Classification: Uncertain significance. Last evaluated: 2021-06-22. Review status: criteria provided, single submitter. Criteria: GeneDx Variant Classification Process June 2021. Collection method: clinical testing. Allele origin: germline. Affected: yes.

NM_018127.7(ELAC2):c.1042G>A (p.Val348Met)

Gene: ELAC2 (elaC ribonuclease Z 2; minus strand). Cytogenetic location: 17p12.
Variant type: single nucleotide variant.
Coding change: c.1042G>A on transcript NM_018127.7 (MANE Select); coding-DNA position 1042, G replaced by A.
Protein change: p.Val348Met; replaces valine 348 with methionine.
Molecular consequence: missense variant.
Genome position (GRCh38, 1-based): chr17:13,003,516, C>T on the plus strand (G>A on the coding strand, the complement: ELAC2 is on the minus strand). VCF-style: chr17-13003516-C-T. GRCh37 (hg19) VCF-style: chr17-12906833-C-T.
Other names: c.922G>A, p.Val308Met (NM_001165962.2); c.1042G>A, p.Val348Met (NM_173717.2); short protein forms V308M, V348M.
Identifiers: ClinVar variation 1329544 (VCV001329544.6), dbSNP rs370476174, ClinGen allele CA8401391.